The following is an entry in ClinVar:

NM_173630.4(RTTN):c.2230A>G (p.Ser744Gly)

Gene: RTTN (rotatin; minus strand). Cytogenetic location: 18q22.2.
Variant type: single nucleotide variant.
Coding change: c.2230A>G on transcript NM_173630.4 (MANE Select); coding-DNA position 2230, A replaced by G.
Protein change: p.Ser744Gly; replaces serine 744 with glycine.
Molecular consequence: missense variant. On other transcripts: 5 prime UTR variant (1).
Genome position (GRCh38, 1-based): chr18:70,148,980, T>C on the plus strand (A>G on the coding strand, the complement: RTTN is on the minus strand). VCF-style: chr18-70148980-T-C. GRCh37 (hg19) VCF-style: chr18-67816216-T-C.
Other names: c.-418A>G (NM_001318520.2); short protein forms S744G.
Identifiers: ClinVar variation 3374941 (VCV003374941.1).
Genomic context (GRCh38, chr18:70,148,980, plus strand): 5'-AAAGTCGCAGCATGGACTTTAATCGGGTAGTACACGGAAGCATCTCTTCTGTGTCAGAAC[T>C]TGCTTTGCTTAGAAGGAGAATGCAGTTACCCAGAGGATCTTCTGTGTCGGCATAGCCCTA-3'
Protein context (NP_775901.3, residues 734-754): GNCILLLSKA[Ser744Gly]SDTEEMLPCT

ClinVar aggregate classification (germline): Uncertain significance (1 of 4 stars; one submission).

gnomAD v4.1: 1 of 1,613,612 alleles (0.000062%); highest among the groups gnomAD compares: Non-Finnish European, 0.000085%; no homozygotes.

Submission:

Women's Health and Genetics/Laboratory Corporation of America, LabCorp
Classification: Uncertain significance. Last evaluated: 2024-09-10. Review status: criteria provided, single submitter. Criteria: LabCorp Variant Classification Summary - May 2015. Collection method: clinical testing. Allele origin: germline.
Comment: Variant summary: RTTN c.2230A>G (p.Ser744Gly) results in a non-conservative amino acid change in the encoded protein sequence. Four of five in-silico tools predict a benign effect of the variant on protein function. The variant was absent in 249150 control chromosomes. The available data on variant occurrences in the general population are insufficient to allow any conclusion about variant significance. To our knowledge, no occurrence of c.2230A>G in individuals affected with Microcephalic Primordial Dwarfism Due To RTTN Deficiency and no experimental evidence demonstrating its impact on protein function have been reported. No submitters have cited clinical-significance assessments for this variant to ClinVar. Based on the evidence outlined above, the variant was classified as uncertain significance.